The following is an entry in ClinVar:

ClinVar aggregate classification (germline): Uncertain significance (1 of 4 stars; one submission).

gnomAD v4.1: 1 of 1,613,844 alleles (0.000062%); highest among the groups gnomAD compares: African/African-American, 0.0013%; no homozygotes.

Submission:

Labcorp Genetics (formerly Invitae), Labcorp
Classification: Uncertain significance. Last evaluated: 2025-10-16. Review status: criteria provided, single submitter. Criteria: Invitae Variant Classification Sherloc (09022015). Collection method: clinical testing. Allele origin: germline.
Comment: This sequence change replaces glycine, which is neutral and non-polar, with valine, which is neutral and non-polar, at codon 827 of the KCNH1 protein (p.Gly827Val). This variant is not present in population databases (gnomAD no frequency). This variant has not been reported in the literature in individuals affected with KCNH1-related conditions. ClinVar contains an entry for this variant (Variation ID: 3632826). Invitae Evidence Modeling of protein sequence and biophysical properties (such as structural, functional, and spatial information, amino acid conservation, physicochemical variation, residue mobility, and thermodynamic stability) indicates that this missense variant is not expected to disrupt KCNH1 protein function with a negative predictive value of 95%. In summary, the available evidence is currently insufficient to determine the role of this variant in disease. Therefore, it has been classified as a Variant of Uncertain Significance.

NM_172362.3(KCNH1):c.2480G>T (p.Gly827Val)

Gene: KCNH1 (potassium voltage-gated channel subfamily H member 1; minus strand). Cytogenetic location: 1q32.2.
Variant type: single nucleotide variant.
Coding change: c.2480G>T on transcript NM_172362.3 (MANE Select); coding-DNA position 2480, G replaced by T.
Protein change: p.Gly827Val; replaces glycine 827 with valine.
Molecular consequence: missense variant.
Genome position (GRCh38, 1-based): chr1:210,683,771, C>A on the plus strand (G>T on the coding strand, the complement: KCNH1 is on the minus strand). VCF-style: chr1-210683771-C-A. GRCh37 (hg19) VCF-style: chr1-210857113-C-A.
Other names: c.2399G>T, p.Gly800Val (NM_002238.4); short protein forms G800V, G827V.
Identifiers: ClinVar variation 3632826 (VCV003632826.2).
Genomic context (GRCh38, chr1:210,683,771, plus strand): 5'-CTCTTCCCGCAAGCATCTTTGAAGCGGGCCCAGCTTTTGCGCTTGGCACAATCGCCCCCG[C>A]CCCCCTTGGGGCCCAGGCACTCGGACCCTGGCGCCTGTAGCTTTGCGTGGTCTGGCACCC-3'
Protein context (NP_758872.1, residues 817-837): PGSECLGPKG[Gly827Val]GGDCAKRKSW